The following is an entry in ClinVar:

NM_017763.6(RNF43):c.1082C>T (p.Pro361Leu)

Gene: RNF43 (ring finger protein 43; minus strand). Cytogenetic location: 17q22.
Variant type: single nucleotide variant.
Coding change: c.1082C>T on transcript NM_017763.6 (MANE Select); coding-DNA position 1082, C replaced by T.
Protein change: p.Pro361Leu; replaces proline 361 with leucine.
Molecular consequence: missense variant.
Genome position (GRCh38, 1-based): chr17:58,358,694, G>A on the plus strand (C>T on the coding strand, the complement: RNF43 is on the minus strand). VCF-style: chr17-58358694-G-A. GRCh37 (hg19) VCF-style: chr17-56436055-G-A.
Other names: c.1082C>T (NM_017763.4); c.1082C>T, p.Pro361Leu (NM_001305544.3); c.701C>T, p.Pro234Leu (NM_001305545.2); short protein forms P234L, P361L.
Identifiers: ClinVar variation 1951008 (VCV001951008.6), dbSNP rs1348903060, ClinGen allele CA400331773.

ClinVar aggregate classification (germline): Uncertain significance. Review status: criteria provided, multiple submitters, no conflicts (2 of 4 stars). 2 submissions from 2 submitters: Uncertain significance (2). Last evaluated 2025-10-13.

Allele frequency attached by ClinVar (database versions not stated): gnomAD exomes 0.00001.
gnomAD v4.1: 3 of 1,538,754 alleles (0.00019%); highest among the groups gnomAD compares: Non-Finnish European, 0.00026%; no homozygotes.

Submissions (2):

Ambry Genetics
Classification: Uncertain significance. Last evaluated: 2025-10-13. Review status: criteria provided, single submitter. Criteria: Ambry Variant Classification Scheme 2023. Collection method: clinical testing. Allele origin: germline.
Comment: The p.P361L variant (also known as c.1082C>T), located in coding exon 8 of the RNF43 gene, results from a C to T substitution at nucleotide position 1082. The proline at codon 361 is replaced by leucine, an amino acid with similar properties. This amino acid position is conserved. In addition, this alteration is predicted to be tolerated by in silico analysis. Based on the available evidence, the clinical significance of this variant remains unclear.

Labcorp Genetics (formerly Invitae), Labcorp
Classification: Uncertain significance. Last evaluated: 2022-08-27. Review status: criteria provided, single submitter. Criteria: Invitae Variant Classification Sherloc (09022015). Collection method: clinical testing. Allele origin: germline.
Comment: In summary, the available evidence is currently insufficient to determine the role of this variant in disease. Therefore, it has been classified as a Variant of Uncertain Significance. Algorithms developed to predict the effect of missense changes on protein structure and function (SIFT, PolyPhen-2, Align-GVGD) all suggest that this variant is likely to be tolerated. This variant has not been reported in the literature in individuals affected with RNF43-related conditions. This variant is not present in population databases (gnomAD no frequency). This sequence change replaces proline, which is neutral and non-polar, with leucine, which is neutral and non-polar, at codon 361 of the RNF43 protein (p.Pro361Leu).